The following is an entry in ClinVar:

ClinVar aggregate classification (germline): Uncertain significance. Review status: criteria provided, multiple submitters, no conflicts (2 of 4 stars). 2 submissions from 2 submitters: Uncertain significance (2). Last evaluated 2022-08-02.

Conditions:
2-aminoadipic 2-oxoadipic aciduria (AAKAD). Also called: Aminoadipic aciduria; ALPHA-AMINOADIPIC AND ALPHA-KETOADIPIC ACIDURIA. Identifiers: Orphanet 79154, MedGen C1859817, MONDO:0008774, OMIM 204750.
Charcot-Marie-Tooth disease axonal type 2Q. Also called: CHARCOT-MARIE-TOOTH NEUROPATHY, TYPE 2Q; CHARCOT-MARIE-TOOTH DISEASE, AXONAL, AUTOSOMAL DOMINANT, TYPE 2Q. Identifiers: Orphanet 329258, MedGen C3554366, MONDO:0014012, OMIM 615025.

Submissions (2):

Labcorp Genetics (formerly Invitae), Labcorp
Classification: Uncertain significance for 2-aminoadipic 2-oxoadipic aciduria. Last evaluated: 2022-08-02. Review status: criteria provided, single submitter. Criteria: Invitae Variant Classification Sherloc (09022015). Collection method: clinical testing. Allele origin: germline.
Comment: This variant has not been reported in the literature in individuals affected with DHTKD1-related conditions. This variant is not present in population databases (gnomAD no frequency). This sequence change falls in intron 11 of the DHTKD1 gene. It does not directly change the encoded amino acid sequence of the DHTKD1 protein. In summary, the available evidence is currently insufficient to determine the role of this variant in disease. Therefore, it has been classified as a Variant of Uncertain Significance. Algorithms developed to predict the effect of sequence changes on RNA splicing suggest that this variant may create or strengthen a splice site.

Juno Genomics, Hangzhou Juno Genomics, Inc
Classification: Uncertain significance for Charcot-Marie-Tooth disease axonal type 2Q; 2-aminoadipic 2-oxoadipic aciduria. Review status: criteria provided, single submitter. Criteria: ACMG Guidelines, 2015. Collection method: clinical testing. Allele origin: germline.
Comment: Absent from controls (or at extremely low frequency if recessive) in Genome Aggregation Database.;Multiple lines of computational evidence support a deleterious effect on the gene or gene product.

NM_018706.7(DHTKD1):c.2047+18G>A

Gene: DHTKD1 (dehydrogenase E1 and transketolase domain containing 1; plus strand). Cytogenetic location: 10p14.
Variant type: single nucleotide variant.
Coding change: c.2047+18G>A on transcript NM_018706.7 (MANE Select); 18 bases into the intron after coding-DNA position 2047, G replaced by A.
Molecular consequence: intron variant.
Genome position (GRCh38, 1-based): chr10:12,106,414, G>A. VCF-style: chr10-12106414-G-A. GRCh37 (hg19) VCF-style: chr10-12148413-G-A.
Identifiers: ClinVar variation 1979344 (VCV001979344.6), dbSNP rs371423049, ClinGen allele CA660764802.
Genomic context (GRCh38, chr10:12,106,414, plus strand): 5'-TTCAATGGTGCCCAGATCATCTTTGACACATTCATCTCTGGAGGTTGGTGTCAGCGTATA[G>A]GGTGGGTACAGGTGGGGGTCCCTGCGTGGCCCCAGCCTCGTGGGGACAAATGAATGAAAA-3'